The following is an entry in ClinVar:

NM_198576.4(AGRN):c.5216G>A (p.Arg1739His)

Gene: AGRN (agrin; plus strand). Cytogenetic location: 1p36.33.
Variant type: single nucleotide variant.
Coding change: c.5216G>A on transcript NM_198576.4 (MANE Select); coding-DNA position 5216, G replaced by A.
Protein change: p.Arg1739His; replaces arginine 1739 with histidine.
Molecular consequence: missense variant.
Genome position (GRCh38, 1-based): chr1:1,050,800, G>A. VCF-style: chr1-1050800-G-A. GRCh37 (hg19) VCF-style: chr1-986180-G-A.
Other names: c.5216G>A, p.Arg1739His (NM_001305275.2); c.4901G>A, p.Arg1634His (NM_001364727.2); short protein forms R1739H, R1634H.
Identifiers: ClinVar variation 648440 (VCV000648440.9), dbSNP rs762052033, ClinGen allele CA509912.
Genomic context (GRCh38, chr1:1,050,800, plus strand): 5'-TCACCCTGGGAGCCTGGACCAGGGTCTCACTGGAGCGAAACGGCCGCAAGGGTGCCCTGC[G>A]TGTGGGCGACGGCCCCCGTGTGTTGGGGGAGTCCCCGGTGAGTGCTCTGGGCCGCGAGGG-3'
Protein context (NP_940978.2, residues 1729-1749): LERNGRKGAL[Arg1739His]VGDGPRVLGE

ClinVar aggregate classification (germline): Uncertain significance. Review status: criteria provided, multiple submitters, no conflicts (2 of 4 stars). 2 submissions from 2 submitters: Uncertain significance (2). Last evaluated 2025-08-27.

Conditions:
Congenital myasthenic syndrome 8. Also called: Myasthenic syndrome, congenital, 8, with pre- and postsynaptic defects; MYASTHENIC SYNDROME, CONGENITAL, DUE TO AGRIN DEFICIENCY. Identifiers: Orphanet 590, MedGen C3808739, MONDO:0014052, OMIM 615120.
Inborn genetic diseases. Identifiers: MedGen C0950123, MeSH D030342.

Allele frequency attached by ClinVar (database versions not stated): gnomAD exomes 0.00005 and 0.00006; gnomAD 0.00006; TOPMed 0.00007; ExAC 0.00011.
gnomAD v4.1: 86 of 1,597,338 alleles (0.0054%); highest among the groups gnomAD compares: Non-Finnish European, 0.0065%; no homozygotes.

Submissions (2):

Ambry Genetics
Classification: Uncertain significance for Inborn genetic diseases. Last evaluated: 2025-08-27. Review status: criteria provided, single submitter. Criteria: Ambry Variant Classification Scheme 2023. Collection method: clinical testing. Allele origin: germline.

Labcorp Genetics (formerly Invitae), Labcorp
Classification: Uncertain significance for Congenital myasthenic syndrome 8. Last evaluated: 2022-06-04. Review status: criteria provided, single submitter. Criteria: Invitae Variant Classification Sherloc (09022015). Collection method: clinical testing. Allele origin: germline.
Comment: This sequence change replaces arginine, which is basic and polar, with histidine, which is basic and polar, at codon 1739 of the AGRN protein (p.Arg1739His). This variant is present in population databases (rs762052033, gnomAD 0.01%). This variant has not been reported in the literature in individuals affected with AGRN-related conditions. ClinVar contains an entry for this variant (Variation ID: 648440). Algorithms developed to predict the effect of missense changes on protein structure and function are either unavailable or do not agree on the potential impact of this missense change (SIFT: "Deleterious"; PolyPhen-2: "Probably Damaging"; Align-GVGD: "Class C0"). In summary, the available evidence is currently insufficient to determine the role of this variant in disease. Therefore, it has been classified as a Variant of Uncertain Significance.